The following is an entry in ClinVar:

ClinVar aggregate classification (germline): Benign. Review status: criteria provided, multiple submitters, no conflicts (2 of 4 stars). 3 submissions from 3 submitters: Benign (3). Last evaluated 2025-10-02.

Conditions:
TTC28-related disorder. Also called: TTC28-related condition.

Allele frequency attached by ClinVar (database versions not stated): 1000 Genomes Project 0.00040; 1000 Genomes Project 30x 0.00062; TOPMed 0.00199; gnomAD 0.00264 and 0.00267; gnomAD exomes 0.00310 and 0.00331; ESP Exome Variant Server 0.00350; ExAC 0.00378.
gnomAD v4.1: 4,706 of 1,551,646 alleles (0.3%); highest among the groups gnomAD compares: Middle Eastern, 0.42%; 15 homozygotes.

Submissions (3):

PreventionGenetics, part of Exact Sciences
Classification: Benign for TTC28-related condition. Last evaluated: 2025-10-02. Review status: criteria provided, single submitter. Criteria: ACMG Guidelines, 2015. Collection method: clinical testing. Allele origin: germline.
Comment: This variant is classified as benign based on ACMG/AMP sequence variant interpretation guidelines (Richards et al. 2015 PMID: 25741868, with internal and published modifications).

Labcorp Genetics (formerly Invitae), Labcorp
Classification: Benign. Last evaluated: 2019-12-31. Review status: criteria provided, single submitter. Criteria: Invitae Variant Classification Sherloc (09022015). Collection method: clinical testing. Allele origin: germline.

Breakthrough Genomics
Classification: Benign. Review status: criteria provided, single submitter. Criteria: ACMG Guidelines, 2015. Collection method: not provided. Allele origin: germline. Inheritance: Unknown mechanism. Affected: yes.

NM_001145418.2(TTC28):c.2718C>T (p.Val906=)

Gene: TTC28 (tetratricopeptide repeat domain 28; minus strand). Cytogenetic location: 22q12.1.
Variant type: single nucleotide variant.
Coding change: c.2718C>T on transcript NM_001145418.2 (MANE Select); coding-DNA position 2718, C replaced by T.
Protein change: p.Val906=; no amino-acid change (valine 906 retained).
Molecular consequence: synonymous variant.
Genome position (GRCh38, 1-based): chr22:28,107,127, G>A on the plus strand (C>T on the coding strand, the complement: TTC28 is on the minus strand). VCF-style: chr22-28107127-G-A. GRCh37 (hg19) VCF-style: chr22-28503115-G-A.
Other names: c.2718C>T, p.Val906= (NM_001393403.1); c.2364C>T, p.Val788= (NM_001393404.1, NM_001393405.1).
Identifiers: ClinVar variation 771056 (VCV000771056.6), dbSNP rs144717854, ClinGen allele CA10167405.